The following is an entry in ClinVar:

NM_000016.6(ACADM):c.744A>C (p.Arg248Ser)

Gene: ACADM (acyl-CoA dehydrogenase medium chain; plus strand). Cytogenetic location: 1p31.1.
Variant type: single nucleotide variant.
Coding change: c.744A>C on transcript NM_000016.6 (MANE Select); coding-DNA position 744, A replaced by C.
Protein change: p.Arg248Ser; replaces arginine 248 with serine.
Molecular consequence: missense variant.
Genome position (GRCh38, 1-based): chr1:75,749,454, A>C. VCF-style: chr1-75749454-A-C. GRCh37 (hg19) VCF-style: chr1-76215139-A-C.
Other names: c.756A>C, p.Arg252Ser (NM_001127328.3); c.636A>C, p.Arg212Ser (NM_001286042.2); c.843A>C, p.Arg281Ser (NM_001286043.2); c.177A>C, p.Arg59Ser (NM_001286044.2); short protein forms R248S, R59S, R212S, R252S, R281S.
Identifiers: ClinVar variation 1515813 (VCV001515813.6), dbSNP rs2100417476, ClinGen allele CA340816578.

ClinVar aggregate classification (germline): Likely pathogenic (1 of 4 stars; one submission).

Conditions:
Medium-chain acyl-coenzyme A dehydrogenase deficiency (ACADMD). Also called: ACADM DEFICIENCY; MCADD; CARNITINE DEFICIENCY SECONDARY TO MEDIUM-CHAIN ACYL-CoA DEHYDROGENASE DEFICIENCY; MCADH DEFICIENCY; Medium chain acyl-CoA dehydrogenase deficiency; MCAD Deficiency. Identifiers: Orphanet 42, MedGen C0220710, MONDO:0008721, OMIM 201450.

Submission:

Labcorp Genetics (formerly Invitae), Labcorp
Classification: Likely pathogenic for Medium-chain acyl-coenzyme A dehydrogenase deficiency. Last evaluated: 2021-07-28. Review status: criteria provided, single submitter. Criteria: Invitae Variant Classification Sherloc (09022015). Collection method: clinical testing. Allele origin: germline.
Comment: In summary, the currently available evidence indicates that the variant is pathogenic, but additional data are needed to prove that conclusively. Therefore, this variant has been classified as Likely Pathogenic. This variant disrupts the p.Arg248 amino acid residue in ACADM. Other variant(s) that disrupt this residue have been determined to be pathogenic (PMID: 15832312, 19224950). This suggests that this residue is clinically significant, and that variants that disrupt this residue are likely to be disease-causing. Advanced modeling of protein sequence and biophysical properties (such as structural, functional, and spatial information, amino acid conservation, physicochemical variation, residue mobility, and thermodynamic stability) performed at Invitae indicates that this missense variant is expected to disrupt ACADM protein function. This variant has not been reported in the literature in individuals affected with ACADM-related conditions. This variant is not present in population databases (ExAC no frequency). This sequence change replaces arginine with serine at codon 248 of the ACADM protein (p.Arg248Ser). The arginine residue is highly conserved and there is a moderate physicochemical difference between arginine and serine.

Literature cited by the submitters: PubMed 15832312; PubMed 19224950.